The following is an entry in ClinVar:

NM_032801.5(JAM3):c.143-8C>T

Gene: JAM3 (junctional adhesion molecule 3; plus strand). Cytogenetic location: 11q25.
Variant type: single nucleotide variant.
Coding change: c.143-8C>T on transcript NM_032801.5 (MANE Select); 8 bases into the intron before coding-DNA position 143, C replaced by T.
Molecular consequence: intron variant.
Genome position (GRCh38, 1-based): chr11:134,140,649, C>T. VCF-style: chr11-134140649-C-T. GRCh37 (hg19) VCF-style: chr11-134010544-C-T.
Other names: c.143-8C>T (NM_001205329.2).
Identifiers: ClinVar variation 715028 (VCV000715028.34), dbSNP rs202130887, ClinGen allele CA6369937.

ClinVar aggregate classification (germline): Benign/Likely benign. Review status: criteria provided, multiple submitters, no conflicts (2 of 4 stars). 4 submissions from 4 submitters: Benign (1); Likely benign (2). 1 of the submissions does not count toward it. Last evaluated 2026-06-01.

Conditions:
JAM3-related disorder. Also called: JAM3-related condition.

Allele frequency attached by ClinVar (database versions not stated): ExAC 0.00030; 1000 Genomes Project 30x 0.00031; TOPMed 0.00036; 1000 Genomes Project 0.00040; gnomAD exomes 0.00041 and 0.00068; gnomAD 0.00044; ESP Exome Variant Server 0.00046.
gnomAD v4.1: 1,069 of 1,606,782 alleles (0.067%); highest among the groups gnomAD compares: Non-Finnish European, 0.082%; 1 homozygote.

Submissions (4):

CeGaT Center for Human Genetics Tuebingen
Classification: Likely benign. Last evaluated: 2026-06-01. Review status: criteria provided, single submitter. Criteria: CeGaT Center For Human Genetics Tuebingen Variant Classification Criteria Version 2. Collection method: clinical testing. Allele origin: germline. Affected: yes. Observed: 2 variant alleles.
Comment: JAM3: BP4

Labcorp Genetics (formerly Invitae), Labcorp
Classification: Benign. Last evaluated: 2025-03-31. Review status: criteria provided, single submitter. Criteria: Invitae Variant Classification Sherloc (09022015). Collection method: clinical testing. Allele origin: germline.

Blueprint Genetics
Classification: Likely benign. Last evaluated: 2024-10-28. Review status: criteria provided, single submitter. Criteria: ACMG Guidelines, 2015. Collection method: clinical testing. Allele origin: germline.

PreventionGenetics, part of Exact Sciences
Classification: Likely benign for JAM3-related condition. Last evaluated: 2022-10-19. Review status: no assertion criteria provided. Collection method: clinical testing. Allele origin: germline. Not counted in ClinVar's aggregate classification.
Comment: This variant is classified as likely benign based on ACMG/AMP sequence variant interpretation guidelines (Richards et al. 2015 PMID: 25741868, with internal and published modifications).